The following is an entry in ClinVar:

NM_001440.4(EXTL3):c.660G>A (p.Ala220=)

Gene: EXTL3 (exostosin like glycosyltransferase 3; plus strand). Cytogenetic location: 8p21.1.
Variant type: single nucleotide variant.
Coding change: c.660G>A on transcript NM_001440.4 (MANE Select); coding-DNA position 660, G replaced by A.
Protein change: p.Ala220=; no amino-acid change (alanine 220 retained).
Molecular consequence: synonymous variant.
Genome position (GRCh38, 1-based): chr8:28,716,719, G>A. VCF-style: chr8-28716719-G-A. GRCh37 (hg19) VCF-style: chr8-28574236-G-A.
Identifiers: ClinVar variation 1560992 (VCV001560992.22), dbSNP rs1238726417, ClinGen allele CA460190085.

ClinVar aggregate classification (germline): Likely benign. Review status: criteria provided, multiple submitters, no conflicts (2 of 4 stars). 3 submissions from 3 submitters: Likely benign (3). Last evaluated 2025-01-01.

Allele frequency attached by ClinVar (database versions not stated): gnomAD exomes 0.00001; TOPMed 0.00001; gnomAD 0.00003.
gnomAD v4.1: 9 of 1,614,098 alleles (0.00056%); highest among the groups gnomAD compares: Admixed American, 0.0033%; no homozygotes.

Submissions (3):

CeGaT Center for Human Genetics Tuebingen
Classification: Likely benign. Last evaluated: 2025-01-01. Review status: criteria provided, single submitter. Criteria: CeGaT Center For Human Genetics Tuebingen Variant Classification Criteria Version 2. Collection method: clinical testing. Allele origin: germline. Affected: yes. Observed: 1 variant allele.
Comment: EXTL3: BP4, BP7

Blueprint Genetics
Classification: Likely benign. Last evaluated: 2024-06-13. Review status: criteria provided, single submitter. Criteria: ACMG Guidelines, 2015. Collection method: clinical testing. Allele origin: germline.

Labcorp Genetics (formerly Invitae), Labcorp
Classification: Likely benign. Last evaluated: 2022-10-31. Review status: criteria provided, single submitter. Criteria: Invitae Variant Classification Sherloc (09022015). Collection method: clinical testing. Allele origin: germline.